The following is an entry in ClinVar:

ClinVar aggregate classification (germline): Pathogenic (1 of 4 stars; one submission).

Conditions:
Mucopolysaccharidosis, MPS-II (MPS2). Also called: Hunter Syndrome; IDURONATE 2-SULFATASE DEFICIENCY; Mucopolysaccharidosis Type II; Mucopolysaccharidosis type 2; Attenuated MPS (subtype; formerly known as mild MPS II); Severe MPS II. Identifiers: Orphanet 580, Orphanet 79388, MedGen C0026705, MONDO:0010674, OMIM 309900.

Submission:

Laboratory of Diagnosis and Therapy of Lysosomal Disorders, University of Padova
Classification: Pathogenic for Mucopolysaccharidosis, MPS-II. Last evaluated: 2024-06-07. Review status: criteria provided, single submitter. Criteria: ACMG Guidelines, 2015. Collection method: literature only. Allele origin: germline. Affected: yes. Observed: 1 variant allele.
Comment: Null variant (PVS1_VeryStrong), Absent from controls (or at low frequency) in gnomAD database (PM2_Moderate), Patient’s phenotype or family history highly specific for the disease (PP4_Strong)

Classification method: ACMG Guidelines [PMID:25741868] with modifications

Literature cited by the submitters: PubMed 28077157.

NM_000202.8(IDS):c.257del (p.Pro86fs)

Gene: IDS (iduronate 2-sulfatase; minus strand). Cytogenetic location: Xq28.
Variant type: Deletion.
Coding change: c.257del on transcript NM_000202.8 (MANE Select); coding-DNA position 257, one base deleted (C; older notation c.257delC).
Protein change: p.Pro86fs; shifts the reading frame from proline 86.
Molecular consequence: frameshift variant. On other transcripts: non-coding transcript variant (1), intron variant (1).
Genome position (GRCh38, 1-based): chrX:149,503,473, G deleted on the plus strand (C on the coding strand, the reverse complement: IDS is on the minus strand); the first of 4 consecutive G bases (chrX:149,503,473-149,503,476); deleting any one gives the same sequence. VCF-style (leftmost placement, unchanged base first): chrX-149503472-CG-C. GRCh37 (hg19) VCF-style: chrX-148585002-CG-C.
Other names: c.257del, p.Pro86fs (NM_006123.5); c.15-28del (NM_001166550.4); short protein forms P86fs.
Identifiers: ClinVar variation 3255635 (VCV003255635.2).